The following is an entry in ClinVar:

NM_001127208.3(TET2):c.527A>G (p.Asn176Ser)

Genes: TET2 (tet methylcytosine dioxygenase 2; plus strand), TET2-AS1 (TET2 antisense RNA 1; minus strand). Cytogenetic location: 4q24.
Variant type: single nucleotide variant.
Coding change: c.527A>G on transcript NM_001127208.3 (MANE Select); coding-DNA position 527, A replaced by G.
Protein change: p.Asn176Ser; replaces asparagine 176 with serine.
Molecular consequence: missense variant.
Genome position (GRCh38, 1-based): chr4:105,234,469, A>G. VCF-style: chr4-105234469-A-G. GRCh37 (hg19) VCF-style: chr4-106155626-A-G.
Other names: c.527A>G, p.Asn176Ser (NM_017628.4); short protein forms N176S.
Identifiers: ClinVar variation 4183009 (VCV004183009.1).

ClinVar aggregate classification (germline): Uncertain significance (1 of 4 stars; one submission).

Submission:

Ambry Genetics
Classification: Uncertain significance. Last evaluated: 2025-08-07. Review status: criteria provided, single submitter. Criteria: Ambry Variant Classification Scheme 2023. Collection method: clinical testing. Allele origin: germline.
Comment: The p.N176S variant (also known as c.527A>G), located in coding exon 1 of the TET2 gene, results from an A to G substitution at nucleotide position 527. The asparagine at codon 176 is replaced by serine, an amino acid with highly similar properties. This amino acid position is conserved. In addition, this alteration is predicted to be tolerated by in silico analysis. Based on the available evidence, the clinical significance of this variant remains unclear.